The following is an entry in ClinVar:

ClinVar aggregate classification (germline): Uncertain significance (1 of 4 stars; one submission).

Conditions:
Hereditary cancer-predisposing syndrome. Also called: Neoplastic Syndromes, Hereditary; Tumor predisposition; Hereditary neoplastic syndrome; Hereditary Cancer Syndrome. Identifiers: Orphanet 140162, MedGen C0027672, MeSH D009386, MONDO:0015356.

Submission:

Labcorp Genetics (formerly Invitae), Labcorp
Classification: Uncertain significance for Hereditary cancer-predisposing syndrome. Last evaluated: 2021-07-24. Review status: criteria provided, single submitter. Criteria: Invitae Variant Classification Sherloc (09022015). Collection method: clinical testing. Allele origin: germline.
Comment: In summary, the available evidence is currently insufficient to determine the role of this variant in disease. Therefore, it has been classified as a Variant of Uncertain Significance. Algorithms developed to predict the effect of missense changes on protein structure and function are either unavailable or do not agree on the potential impact of this missense change (SIFT: "Deleterious"; PolyPhen-2: "Possibly Damaging"; Align-GVGD: "Class C0"). This variant has not been reported in the literature in individuals affected with RAD50-related conditions. This variant is not present in population databases (ExAC no frequency). This sequence change replaces isoleucine with lysine at codon 1252 of the RAD50 protein (p.Ile1252Lys). The isoleucine residue is highly conserved and there is a moderate physicochemical difference between isoleucine and lysine.

NM_005732.4(RAD50):c.3755T>A (p.Ile1252Lys)

Genes: RAD50 (RAD50 double strand break repair protein; plus strand), TH2-LCR (Th2 cytokine locus control region; plus strand), TH2LCRR (T helper type 2 locus control region associated RNA; minus strand). Cytogenetic location: 5q31.1.
Variant type: single nucleotide variant.
Coding change: c.3755T>A on transcript NM_005732.4 (MANE Select); coding-DNA position 3755, T replaced by A.
Protein change: p.Ile1252Lys; replaces isoleucine 1252 with lysine.
Molecular consequence: missense variant.
Genome position (GRCh38, 1-based): chr5:132,642,180, T>A. VCF-style: chr5-132642180-T-A. GRCh37 (hg19) VCF-style: chr5-131977872-T-A.
Other names: short protein forms I1252K.
Identifiers: ClinVar variation 1369435 (VCV001369435.6), dbSNP rs2149866803, ClinGen allele CA360935501.